The following is an entry in ClinVar:

ClinVar aggregate classification (germline): Uncertain significance (1 of 4 stars; one submission).

Submission:

Labcorp Genetics (formerly Invitae), Labcorp
Classification: Uncertain significance. Last evaluated: 2024-08-22. Review status: criteria provided, single submitter. Criteria: Invitae Variant Classification Sherloc (09022015). Collection method: clinical testing. Allele origin: germline.
Comment: This sequence change replaces histidine, which is basic and polar, with tyrosine, which is neutral and polar, at codon 426 of the SLC12A6 protein (p.His426Tyr). This variant is not present in population databases (gnomAD no frequency). This variant has not been reported in the literature in individuals affected with SLC12A6-related conditions. Invitae Evidence Modeling of protein sequence and biophysical properties (such as structural, functional, and spatial information, amino acid conservation, physicochemical variation, residue mobility, and thermodynamic stability) indicates that this missense variant is not expected to disrupt SLC12A6 protein function with a negative predictive value of 80%. In summary, the available evidence is currently insufficient to determine the role of this variant in disease. Therefore, it has been classified as a Variant of Uncertain Significance.

NM_001365088.1(SLC12A6):c.1276C>T (p.His426Tyr)

Gene: SLC12A6 (solute carrier family 12 member 6; minus strand). Cytogenetic location: 15q14.
Variant type: single nucleotide variant.
Coding change: c.1276C>T on transcript NM_001365088.1 (MANE Select); coding-DNA position 1276, C replaced by T.
Protein change: p.His426Tyr; replaces histidine 426 with tyrosine.
Molecular consequence: missense variant.
Genome position (GRCh38, 1-based): chr15:34,252,227, G>A on the plus strand (C>T on the coding strand, the complement: SLC12A6 is on the minus strand). VCF-style: chr15-34252227-G-A. GRCh37 (hg19) VCF-style: chr15-34544428-G-A.
Other names: c.1099C>T, p.His367Tyr (NM_001042494.2, NM_001042495.2); c.1249C>T, p.His417Tyr (NM_001042496.2); c.1231C>T, p.His411Tyr (NM_001042497.2); c.1123C>T, p.His375Tyr (NM_005135.2); c.1276C>T, p.His426Tyr (NM_133647.2); short protein forms H375Y, H426Y, H367Y, H417Y, H411Y.
Identifiers: ClinVar variation 3671751 (VCV003671751.2).